The following is an entry in ClinVar:

NM_017882.3(CLN6):c.559C>T (p.Leu187Phe)

Gene: CLN6 (CLN6 transmembrane ER protein; minus strand). Cytogenetic location: 15q23.
Variant type: single nucleotide variant.
Coding change: c.559C>T on transcript NM_017882.3 (MANE Select); coding-DNA position 559, C replaced by T.
Protein change: p.Leu187Phe; replaces leucine 187 with phenylalanine.
Molecular consequence: missense variant.
Genome position (GRCh38, 1-based): chr15:68,209,743, G>A on the plus strand (C>T on the coding strand, the complement: CLN6 is on the minus strand). VCF-style: chr15-68209743-G-A. GRCh37 (hg19) VCF-style: chr15-68502081-G-A.
Other names: short protein forms L187F.
Identifiers: ClinVar variation 658763 (VCV000658763.9), dbSNP rs764670832, ClinGen allele CA272383585.

ClinVar aggregate classification (germline): Uncertain significance (1 of 4 stars; one submission).

Conditions:
Neuronal ceroid lipofuscinosis. Also called: Neuronal Ceroid Lipofuscinoses. Identifiers: Orphanet 216, Orphanet 79263, MedGen C0027877, MONDO:0016295. Disease mechanism: loss of function.

Allele frequency attached by ClinVar (database versions not stated): gnomAD exomes below 0.00001; TOPMed below 0.00001.

Submission:

Labcorp Genetics (formerly Invitae), Labcorp
Classification: Uncertain significance for Neuronal ceroid lipofuscinosis. Last evaluated: 2022-05-12. Review status: criteria provided, single submitter. Criteria: Invitae Variant Classification Sherloc (09022015). Collection method: clinical testing. Allele origin: germline.
Comment: In summary, the available evidence is currently insufficient to determine the role of this variant in disease. Therefore, it has been classified as a Variant of Uncertain Significance. Algorithms developed to predict the effect of missense changes on protein structure and function are either unavailable or do not agree on the potential impact of this missense change (SIFT: "Deleterious"; PolyPhen-2: "Probably Damaging"; Align-GVGD: "Class C0"). ClinVar contains an entry for this variant (Variation ID: 658763). This variant has not been reported in the literature in individuals affected with CLN6-related conditions. This variant is present in population databases (rs764670832, gnomAD 0.003%). This sequence change replaces leucine, which is neutral and non-polar, with phenylalanine, which is neutral and non-polar, at codon 187 of the CLN6 protein (p.Leu187Phe).